The following is an entry in ClinVar:

ClinVar aggregate classification (germline): Benign/Likely benign. Review status: criteria provided, multiple submitters, no conflicts (2 of 4 stars). 4 submissions from 4 submitters: Benign (1); Likely benign (2). 1 of the submissions does not count toward it. Last evaluated 2026-01-28.

Conditions:
VPS13A-related neurodegenerative disease. Also called: LEVINE-CRITCHLEY SYNDROME; Choreaacanthocytosis; VPS13A Disease; Choreoacanthocytosis; Chorea-acanthocytosis; ACANTHOCYTOSIS WITH NEUROLOGIC DISORDER. Identifiers: Orphanet 2388, MedGen C0393576, MONDO:0008695, OMIM 200150.

Allele frequency attached by ClinVar (database versions not stated): 1000 Genomes Project 0.00040; TOPMed 0.00040; gnomAD 0.00016 and 0.00019; gnomAD exomes 0.00016 and 0.00036; 1000 Genomes Project 30x 0.00031; ExAC 0.00038.
gnomAD v4.1: 266 of 1,612,254 alleles (0.016%); highest among the groups gnomAD compares: East Asian, 0.35%; 2 homozygotes.

Submissions (4):

Labcorp Genetics (formerly Invitae), Labcorp
Classification: Benign. Last evaluated: 2026-01-28. Review status: criteria provided, single submitter. Criteria: Invitae Variant Classification Sherloc (09022015). Collection method: clinical testing. Allele origin: germline.

Mayo Clinic Laboratories, Mayo Clinic
Classification: Likely benign. Last evaluated: 2025-08-14. Review status: criteria provided, single submitter. Criteria: ACMG Guidelines, 2015. Collection method: clinical testing. Allele origin: germline. Observed: 2 variant alleles.
Comment: BS1, BP4, BP7

Blueprint Genetics
Classification: Likely benign. Last evaluated: 2024-08-01. Review status: criteria provided, single submitter. Criteria: ACMG Guidelines, 2015. Collection method: clinical testing. Allele origin: germline.

Natera, Inc.
Classification: Benign for Choreaacanthocytosis. Last evaluated: 2020-09-16. Review status: no assertion criteria provided. Collection method: clinical testing. Allele origin: germline. Not counted in ClinVar's aggregate classification.

NM_033305.3(VPS13A):c.5439C>T (p.Ala1813=)

Gene: VPS13A (vacuolar protein sorting 13 homolog A; plus strand). Cytogenetic location: 9q21.2.
Variant type: single nucleotide variant.
Coding change: c.5439C>T on transcript NM_033305.3 (MANE Select); coding-DNA position 5439, C replaced by T.
Protein change: p.Ala1813=; no amino-acid change (alanine 1813 retained).
Molecular consequence: synonymous variant.
Genome position (GRCh38, 1-based): chr9:77,321,192, C>T. VCF-style: chr9-77321192-C-T. GRCh37 (hg19) VCF-style: chr9-79936108-C-T.
Other names: p.Ala1813=; c.5322C>T, p.Ala1774= (NM_001018037.2); c.5439C>T, p.Ala1813= (NM_001018038.3, NM_015186.4).
Identifiers: ClinVar variation 696275 (VCV000696275.14), dbSNP rs117654083, ClinGen allele CA5092794.